The following is an entry in ClinVar:

ClinVar aggregate classification (germline): Uncertain significance (1 of 4 stars; one submission).

gnomAD v4.1: 12 of 1,484,474 alleles (0.00081%); highest among the groups gnomAD compares: Middle Eastern, 0.023%; no homozygotes.

Submission:

Labcorp Genetics (formerly Invitae), Labcorp
Classification: Uncertain significance. Last evaluated: 2025-12-17. Review status: criteria provided, single submitter. Criteria: Invitae Variant Classification Sherloc (09022015). Collection method: clinical testing. Allele origin: germline.
Comment: This sequence change replaces alanine, which is neutral and non-polar, with valine, which is neutral and non-polar, at codon 58 of the FGF20 protein (p.Ala58Val). The frequency data for this variant in the population databases is considered unreliable, as metrics indicate poor data quality at this position in the gnomAD database. This variant has not been reported in the literature in individuals affected with FGF20-related conditions. An algorithm developed to predict the effect of missense changes on protein structure and function (PolyPhen-2) suggests that this variant is likely to be tolerated. In summary, the available evidence is currently insufficient to determine the role of this variant in disease. Therefore, it has been classified as a Variant of Uncertain Significance.

NM_019851.3(FGF20):c.173C>T (p.Ala58Val)

Gene: FGF20 (fibroblast growth factor 20; minus strand). Cytogenetic location: 8p22.
Variant type: single nucleotide variant.
Coding change: c.173C>T on transcript NM_019851.3 (MANE Select); coding-DNA position 173, C replaced by T.
Protein change: p.Ala58Val; replaces alanine 58 with valine.
Molecular consequence: missense variant.
Genome position (GRCh38, 1-based): chr8:17,001,860, G>A on the plus strand (C>T on the coding strand, the complement: FGF20 is on the minus strand). VCF-style: chr8-17001860-G-A. GRCh37 (hg19) VCF-style: chr8-16859369-G-A.
Other names: short protein forms A58V.
Identifiers: ClinVar variation 4702594 (VCV004702594.1).